The following is an entry in ClinVar:

NM_000116.5(TAFAZZIN):c.535C>G (p.Pro179Ala)

Gene: TAFAZZIN (tafazzin, phospholipid-lysophospholipid transacylase; plus strand). Cytogenetic location: Xq28.
Variant type: single nucleotide variant.
Coding change: c.535C>G on transcript NM_000116.5 (MANE Select); coding-DNA position 535, C replaced by G.
Protein change: p.Pro179Ala; replaces proline 179 with alanine.
Molecular consequence: missense variant. On other transcripts: non-coding transcript variant (1).
Genome position (GRCh38, 1-based): chrX:154,419,617, C>G. VCF-style: chrX-154419617-C-G. GRCh37 (hg19) VCF-style: chrX-153647956-C-G.
Other names: c.589C>G, p.Pro197Ala (NM_001303465.2); c.445C>G, p.Pro149Ala (NM_181311.4, NM_181313.4); c.535C>G, p.Pro179Ala (NM_181312.4); short protein forms P179A, P149A, P197A.
Identifiers: ClinVar variation 42261 (VCV000042261.15), dbSNP rs397515744, ClinGen allele CA131106.

ClinVar aggregate classification (germline): Uncertain significance. Review status: criteria provided, multiple submitters, no conflicts (2 of 4 stars). 6 submissions from 4 submitters: Uncertain significance (6). Last evaluated 2025-09-15.

Conditions:
Endocardial fibroelastosis (EFE). Identifiers: Orphanet 2022, MedGen C0014117, MONDO:0009169, OMIM 226000, HP:0001706.
Primary dilated cardiomyopathy (DCM). Also called: Dilated Cardiomyopathy. Identifiers: Orphanet 217604, MedGen C0007193, MeSH D002311, MONDO:0005021, HP:0001644. Inheritance: Various modes of inheritance.
3-Methylglutaconic aciduria type 2 (BTHS). Also called: CARDIOSKELETAL MYOPATHY WITH NEUTROPENIA AND ABNORMAL MITOCHONDRIA; Barth syndrome. Identifiers: Orphanet 111, MedGen C0574083, MONDO:0010543, OMIM 302060.

Allele frequency attached by ClinVar (database versions not stated): gnomAD exomes below 0.00001 and 0.00001; TOPMed below 0.00001; gnomAD 0.00001.

Submissions (6):

Labcorp Genetics (formerly Invitae), Labcorp
Classification: Uncertain significance for 3-Methylglutaconic aciduria type 2. Last evaluated: 2025-09-15. Review status: criteria provided, single submitter. Criteria: Invitae Variant Classification Sherloc (09022015). Collection method: clinical testing. Allele origin: germline.
Comment: This sequence change replaces proline, which is neutral and non-polar, with alanine, which is neutral and non-polar, at codon 179 of the TAZ protein (p.Pro179Ala). This variant is present in population databases (rs397515744, gnomAD 0.001%). This missense change has been observed in individual(s) with sudden infant death syndrome (PMID: 26350513). ClinVar contains an entry for this variant (Variation ID: 42261). Experimental studies and prediction algorithms are not available or were not evaluated, and the functional significance of this variant is currently unknown. In summary, the available evidence is currently insufficient to determine the role of this variant in disease. Therefore, it has been classified as a Variant of Uncertain Significance.

Blueprint Genetics
Classification: Uncertain significance. Last evaluated: 2024-09-09. Review status: criteria provided, single submitter. Criteria: ACMG Guidelines, 2015. Collection method: clinical testing. Allele origin: germline.

Laboratory for Molecular Medicine, Mass General Brigham Personalized Medicine
Classification: Uncertain significance. Last evaluated: 2023-05-10. Review status: criteria provided, single submitter. Criteria: ACMG Guidelines, 2015. Collection method: clinical testing. Allele origin: germline.
Comment: This variant has also been reported by other clinical laboratories in ClinVar (Variation ID 42261) and has been identified in 0.002% (1/53114) of European chromosomes by gnomAD (v.3.1.2). Computational prediction tools and conservation analyses suggest that this variant may impact the protein, though this information is not predictive enough to determine pathogenicity. In summary, while the clinical significance of this variant is uncertain, these data suggest that it is more likely to be benign ACMG/AMP Criteria applied: PM2_Supporting, PP3.

Illumina Laboratory Services, Illumina
Classification: Uncertain significance for Primary dilated cardiomyopathy. Last evaluated: 2018-01-13. Review status: criteria provided, single submitter. Criteria: ICSL Variant Classification Criteria 13 December 2019. Collection method: clinical testing. Allele origin: germline.

Illumina Laboratory Services, Illumina
Classification: Uncertain significance for 3-Methylglutaconic aciduria type 2. Last evaluated: 2018-01-13. Review status: criteria provided, single submitter. Criteria: ICSL Variant Classification Criteria 13 December 2019. Collection method: clinical testing. Allele origin: germline.

Illumina Laboratory Services, Illumina
Classification: Uncertain significance for Endocardial fibroelastosis. Last evaluated: 2018-01-13. Review status: criteria provided, single submitter. Criteria: ICSL Variant Classification Criteria 13 December 2019. Collection method: clinical testing. Allele origin: germline.

Literature cited by the submitters: PubMed 26350513 (cited by Labcorp Genetics (formerly Invitae), Labcorp).